The following is an entry in ClinVar:

ClinVar aggregate classification (germline): Conflicting classifications of pathogenicity. Review status: criteria provided, conflicting classifications (1 of 4 stars). 3 submissions from 3 submitters: Uncertain significance (2); Likely benign (1). Last evaluated 2025-09-02.

Conditions:
Hereditary nonpolyposis colorectal neoplasms. Identifiers: MedGen C0009405, MeSH D003123.
Hereditary cancer-predisposing syndrome. Also called: Neoplastic Syndromes, Hereditary; Tumor predisposition; Hereditary Cancer Syndrome; Hereditary neoplastic syndrome. Identifiers: Orphanet 140162, MedGen C0027672, MeSH D009386, MONDO:0015356.

Allele frequency attached by ClinVar (database versions not stated): gnomAD exomes below 0.00001.
gnomAD v4.1: 1 of 1,614,166 alleles (0.000062%); highest among the groups gnomAD compares: Non-Finnish European, 0.000085%; no homozygotes.

Submissions (3):

Ambry Genetics
Classification: Likely benign for Hereditary cancer-predisposing syndrome. Last evaluated: 2025-09-02. Review status: criteria provided, single submitter. Criteria: Ambry Variant Classification Scheme 2023. Collection method: clinical testing. Allele origin: germline.

Labcorp Genetics (formerly Invitae), Labcorp
Classification: Uncertain significance for Hereditary nonpolyposis colorectal neoplasms. Last evaluated: 2024-12-09. Review status: criteria provided, single submitter. Criteria: Invitae Variant Classification Sherloc (09022015). Collection method: clinical testing. Allele origin: germline.
Comment: This sequence change replaces cysteine, which is neutral and slightly polar, with serine, which is neutral and polar, at codon 591 of the PMS2 protein (p.Cys591Ser). This variant is not present in population databases (gnomAD no frequency). This variant has not been reported in the literature in individuals affected with PMS2-related conditions. ClinVar contains an entry for this variant (Variation ID: 640275). Invitae Evidence Modeling of protein sequence and biophysical properties (such as structural, functional, and spatial information, amino acid conservation, physicochemical variation, residue mobility, and thermodynamic stability) indicates that this missense variant is not expected to disrupt PMS2 protein function with a negative predictive value of 80%. In summary, the available evidence is currently insufficient to determine the role of this variant in disease. Therefore, it has been classified as a Variant of Uncertain Significance.

Color Diagnostics, LLC DBA Color Health
Classification: Uncertain significance for Hereditary cancer-predisposing syndrome. Last evaluated: 2023-12-04. Review status: criteria provided, single submitter. Criteria: ACMG Guidelines, 2015. Collection method: clinical testing. Allele origin: germline.
Comment: This missense variant replaces cysteine with serine at codon 591 of the PMS2 protein. Computational prediction suggests that this variant may not impact protein structure and function (internally defined REVEL score threshold <= 0.5, PMID: 27666373). To our knowledge, functional studies have not been reported for this variant. This variant has not been reported in individuals affected with PMS2-related disorders in the literature. This variant has not been identified in the general population by the Genome Aggregation Database (gnomAD). The available evidence is insufficient to determine the role of this variant in disease conclusively. Therefore, this variant is classified as a Variant of Uncertain Significance.

NM_000535.7(PMS2):c.1772G>C (p.Cys591Ser)

Gene: PMS2 (PMS1 homolog 2, mismatch repair system component; minus strand). Cytogenetic location: 7p22.1.
Variant type: single nucleotide variant.
Coding change: c.1772G>C on transcript NM_000535.7 (MANE Select); coding-DNA position 1772, G replaced by C.
Protein change: p.Cys591Ser; replaces cysteine 591 with serine.
Molecular consequence: missense variant. On other transcripts: non-coding transcript variant (1).
Genome position (GRCh38, 1-based): chr7:5,986,993, C>G on the plus strand (G>C on the coding strand, the complement: PMS2 is on the minus strand). VCF-style: chr7-5986993-C-G. GRCh37 (hg19) VCF-style: chr7-6026624-C-G.
Other names: c.1367G>C, p.Cys456Ser (NM_001322003.2, NM_001322004.2, NM_001322005.2 and 1 more transcripts); c.1616G>C, p.Cys539Ser (NM_001322006.2); c.1454G>C, p.Cys485Ser (NM_001322007.2, NM_001322008.2); c.1211G>C, p.Cys404Ser (NM_001322010.2); c.839G>C, p.Cys280Ser (NM_001322011.2, NM_001322012.2); c.1199G>C, p.Cys400Ser (NM_001322013.2); c.1772G>C, p.Cys591Ser (NM_001322014.2); c.1463G>C, p.Cys488Ser (NM_001322015.2); short protein forms C280S, C539S, C456S, C488S, C400S, C404S, C485S, C591S.
Identifiers: ClinVar variation 640275 (VCV000640275.15), dbSNP rs1583315717, ClinGen allele CA366739932.